The following is an entry in ClinVar:

ClinVar aggregate classification (germline): Uncertain significance (1 of 4 stars; one submission).

Conditions:
Adams-Oliver syndrome 5 (AOS5). Identifiers: Orphanet 974, MedGen C4014970, MONDO:0014459, OMIM 616028.

Submission:

Labcorp Genetics (formerly Invitae), Labcorp
Classification: Uncertain significance for Adams-Oliver syndrome 5. Last evaluated: 2024-05-24. Review status: criteria provided, single submitter. Criteria: Invitae Variant Classification Sherloc (09022015). Collection method: clinical testing. Allele origin: germline.
Comment: This sequence change replaces serine, which is neutral and polar, with threonine, which is neutral and polar, at codon 883 of the NOTCH1 protein (p.Ser883Thr). This variant is not present in population databases (gnomAD no frequency). This variant has not been reported in the literature in individuals affected with NOTCH1-related conditions. Advanced modeling of protein sequence and biophysical properties (such as structural, functional, and spatial information, amino acid conservation, physicochemical variation, residue mobility, and thermodynamic stability) performed at Invitae indicates that this missense variant is not expected to disrupt NOTCH1 protein function with a negative predictive value of 95%. In summary, the available evidence is currently insufficient to determine the role of this variant in disease. Therefore, it has been classified as a Variant of Uncertain Significance.

NM_017617.5(NOTCH1):c.2647T>A (p.Ser883Thr)

Gene: NOTCH1 (notch receptor 1; minus strand). Cytogenetic location: 9q34.3.
Variant type: single nucleotide variant.
Coding change: c.2647T>A on transcript NM_017617.5 (MANE Select); coding-DNA position 2647, T replaced by A.
Protein change: p.Ser883Thr; replaces serine 883 with threonine.
Molecular consequence: missense variant.
Genome position (GRCh38, 1-based): chr9:136,510,746, A>T on the plus strand (T>A on the coding strand, the complement: NOTCH1 is on the minus strand). VCF-style: chr9-136510746-A-T. GRCh37 (hg19) VCF-style: chr9-139405198-A-T.
Other names: short protein forms S883T.
Identifiers: ClinVar variation 3700892 (VCV003700892.2).
Genomic context (GRCh38, chr9:136,510,746, plus strand): 5'-TGCGCCCACTGTAGCCGGCCTGGCAGTGGCAGCGGTAGCCGCCGTGGGTGTTCTGGCAGG[A>T]TGCGCCGTGCCGGCACGGGCTCAGAACGCACTCGTTGATGTCGACCTCACAGGTCTGCCC-3'
Protein context (NP_060087.3, residues 873-893): CVLSPCRHGA[Ser883Thr]CQNTHGGYRC